The following is an entry in ClinVar:

ClinVar aggregate classification (germline): Conflicting classifications of pathogenicity. Review status: criteria provided, conflicting classifications (1 of 4 stars). 2 submissions from 2 submitters: Likely pathogenic (1); Uncertain significance (1). Last evaluated 2026-04-16.

Conditions:
Niemann-Pick disease, type C1. Also called: NIEMANN-PICK DISEASE WITH CHOLESTEROL ESTERIFICATION BLOCK; NIEMANN-PICK DISEASE WITHOUT SPHINGOMYELINASE DEFICIENCY; NIEMANN-PICK DISEASE, CHRONIC NEURONOPATHIC FORM; NIEMANN-PICK DISEASE, VARIANT TYPE C1; NEUROVISCERAL STORAGE DISEASE WITH VERTICAL SUPRANUCLEAR OPHTHALMOPLEGIA. Identifiers: Orphanet 646, MedGen C3179455, MONDO:0009757, OMIM 257220.

Submissions (2):

Myriad Genetics, Inc.
Classification: Uncertain significance for Niemann-Pick disease, type C1. Last evaluated: 2026-04-16. Review status: criteria provided, single submitter. Criteria: Myriad Autosomal Dominant, Autosomal Recessive and X-Linked Classification Criteria (2023). Collection method: clinical testing. Allele origin: unknown.
Comment: NM_000271.4(NPC1):c.3502T>G(C1168G) is a missense variant classified as a variant of uncertain significance in the context of Niemann-Pick disease type C1. C1168G has not been observed in cases with relevant disease. Relevant functional assessments of this variant are not available in the literature. C1168G has not been observed in referenced population frequency databases. In summary, there is insufficient evidence to classify NM_000271.4(NPC1):c.3502T>G(C1168G) as pathogenic or benign. Please note: this variant was assessed in the context of healthy population screening.

Labcorp Genetics (formerly Invitae), Labcorp
Classification: Likely pathogenic for Niemann-Pick disease, type C1. Last evaluated: 2023-11-18. Review status: criteria provided, single submitter. Criteria: Invitae Variant Classification Sherloc (09022015). Collection method: clinical testing. Allele origin: germline.
Comment: This sequence change replaces cysteine, which is neutral and slightly polar, with glycine, which is neutral and non-polar, at codon 1168 of the NPC1 protein (p.Cys1168Gly). This variant is not present in population databases (gnomAD no frequency). This variant has not been reported in the literature in individuals affected with NPC1-related conditions. Advanced modeling of protein sequence and biophysical properties (such as structural, functional, and spatial information, amino acid conservation, physicochemical variation, residue mobility, and thermodynamic stability) performed at Invitae indicates that this missense variant is expected to disrupt NPC1 protein function with a positive predictive value of 95%. This variant disrupts the p.Cys1168 amino acid residue in NPC1. Other variant(s) that disrupt this residue have been determined to be pathogenic (PMID: 11333381, 26666848, 30923329). This suggests that this residue is clinically significant, and that variants that disrupt this residue are likely to be disease-causing. In summary, the currently available evidence indicates that the variant is pathogenic, but additional data are needed to prove that conclusively. Therefore, this variant has been classified as Likely Pathogenic.

Literature cited by the submitters: PubMed 11333381 (cited by Labcorp Genetics (formerly Invitae), Labcorp); PubMed 26666848 (cited by Labcorp Genetics (formerly Invitae), Labcorp); PubMed 30923329 (cited by Labcorp Genetics (formerly Invitae), Labcorp).

NM_000271.5(NPC1):c.3502T>G (p.Cys1168Gly)

Gene: NPC1 (NPC intracellular cholesterol transporter 1; minus strand). Cytogenetic location: 18q11.2.
Variant type: single nucleotide variant.
Coding change: c.3502T>G on transcript NM_000271.5 (MANE Select); coding-DNA position 3502, T replaced by G.
Protein change: p.Cys1168Gly; replaces cysteine 1168 with glycine.
Molecular consequence: missense variant.
Genome position (GRCh38, 1-based): chr18:23,534,535, A>C on the plus strand (T>G on the coding strand, the complement: NPC1 is on the minus strand). VCF-style: chr18-23534535-A-C. GRCh37 (hg19) VCF-style: chr18-21114499-A-C.
Other names: short protein forms C1168G.
Identifiers: ClinVar variation 2697225 (VCV002697225.4), dbSNP rs2511184148, ClinGen allele CA401791047.